The following is an entry in ClinVar:

NM_002485.5(NBN):c.1448T>G (p.Ile483Arg)

Gene: NBN (nibrin; minus strand). Cytogenetic location: 8q21.3.
Variant type: single nucleotide variant.
Coding change: c.1448T>G on transcript NM_002485.5 (MANE Select); coding-DNA position 1448, T replaced by G.
Protein change: p.Ile483Arg; replaces isoleucine 483 with arginine.
Molecular consequence: missense variant.
Genome position (GRCh38, 1-based): chr8:89,953,641, A>C on the plus strand (T>G on the coding strand, the complement: NBN is on the minus strand). VCF-style: chr8-89953641-A-C. GRCh37 (hg19) VCF-style: chr8-90965869-A-C.
Other names: c.1202T>G, p.Ile401Arg (NM_001024688.3); short protein forms I401R, I483R.
Identifiers: ClinVar variation 647409 (VCV000647409.12), dbSNP rs876658347, ClinGen allele CA371655829.
Genomic context (GRCh38, chr8:89,953,641, plus strand): 5'-TTTTTCCACAATGAGGGTGTAGCAGGTTGTGTTTGTTCTAAAAGAGAACAAGACGTTTCT[A>C]TTCTTGCTGATTTGCATGAAGACATTTCTTGATTTTCTTCATCCCTTTCCCTTAGATTTA-3'
Protein context (NP_002476.2, residues 473-493): QEMSSCKSAR[Ile483Arg]ETSCSLLEQT

ClinVar aggregate classification (germline): Conflicting classifications of pathogenicity. Review status: criteria provided, conflicting classifications (1 of 4 stars). 2 submissions from 2 submitters: Uncertain significance (1); Likely benign (1). Last evaluated 2024-07-24.

Conditions:
Hereditary cancer-predisposing syndrome. Also called: Hereditary Cancer Syndrome; Tumor predisposition; Neoplastic Syndromes, Hereditary; Hereditary neoplastic syndrome. Identifiers: Orphanet 140162, MedGen C0027672, MeSH D009386, MONDO:0015356.
Microcephaly, normal intelligence and immunodeficiency (NBS). Also called: BERLIN BREAKAGE SYNDROME; Nijmegen breakage syndrome; Microcephaly with normal intelligence immunodeficiency and lymphoreticular malignancies; Nonsyndromal microcephaly autosomal recessive with normal intelligence; Seemanova syndrome 2; SEEMANOVA SYNDROME II. Identifiers: Orphanet 647, MedGen C0398791, MONDO:0009623, OMIM 251260.

Submissions (2):

Ambry Genetics
Classification: Likely benign for Hereditary cancer-predisposing syndrome. Last evaluated: 2024-07-24. Review status: criteria provided, single submitter. Criteria: Ambry Variant Classification Scheme 2023. Collection method: clinical testing. Allele origin: germline.

Labcorp Genetics (formerly Invitae), Labcorp
Classification: Uncertain significance for Microcephaly, normal intelligence and immunodeficiency. Last evaluated: 2021-07-22. Review status: criteria provided, single submitter. Criteria: Invitae Variant Classification Sherloc (09022015). Collection method: clinical testing. Allele origin: germline.
Comment: In summary, the available evidence is currently insufficient to determine the role of this variant in disease. Therefore, it has been classified as a Variant of Uncertain Significance. Algorithms developed to predict the effect of missense changes on protein structure and function are either unavailable or do not agree on the potential impact of this missense change (SIFT: "Deleterious"; PolyPhen-2: "Benign"; Align-GVGD: "Class C0"). This variant has not been reported in the literature in individuals with NBN-related disease. This variant is not present in population databases (ExAC no frequency). This sequence change replaces isoleucine with arginine at codon 483 of the NBN protein (p.Ile483Arg). The isoleucine residue is weakly conserved and there is a moderate physicochemical difference between isoleucine and arginine.